The following is an entry in ClinVar:

NM_000352.6(ABCC8):c.1107A>C (p.Gln369His)

Gene: ABCC8 (ATP binding cassette subfamily C member 8; minus strand). Cytogenetic location: 11p15.1.
Variant type: single nucleotide variant.
Coding change: c.1107A>C on transcript NM_000352.6 (MANE Select); coding-DNA position 1107, A replaced by C.
Protein change: p.Gln369His; replaces glutamine 369 with histidine.
Molecular consequence: missense variant. On other transcripts: non-coding transcript variant (1).
Genome position (GRCh38, 1-based): chr11:17,453,188, T>G on the plus strand (A>C on the coding strand, the complement: ABCC8 is on the minus strand). VCF-style: chr11-17453188-T-G. GRCh37 (hg19) VCF-style: chr11-17474735-T-G.
Other names: c.1107A>C, p.Gln369His (NM_001287174.3, NM_001351295.2); c.1104A>C, p.Gln368His (NM_001351296.2, NM_001351297.2); short protein forms Q368H, Q369H.
Identifiers: ClinVar variation 3372281 (VCV003372281.1).

ClinVar aggregate classification (germline): Uncertain significance (1 of 4 stars; one submission).

Submission:

GeneDx
Classification: Uncertain significance. Last evaluated: 2024-04-09. Review status: criteria provided, single submitter. Criteria: GeneDx Variant Classification Process June 2021. Collection method: clinical testing. Allele origin: germline. Affected: yes.
Comment: Not observed at significant frequency in large population cohorts (gnomAD); In silico analysis supports that this missense variant has a deleterious effect on protein structure/function; Has not been previously published as pathogenic or benign to our knowledge